The following is an entry in ClinVar:

NM_002382.5(MAX):c.8A>G (p.Asp3Gly)

Genes: MAX (MYC associated transcriptional regulator X; minus strand), LOC130055850 (ATAC-STARR-seq lymphoblastoid silent region 5847; plus strand). Cytogenetic location: 14q23.3.
Variant type: single nucleotide variant.
Coding change: c.8A>G on transcript NM_002382.5 (MANE Select); coding-DNA position 8, A replaced by G.
Protein change: p.Asp3Gly; replaces aspartic acid 3 with glycine.
Molecular consequence: missense variant. On other transcripts: intron variant (2), 5 prime UTR variant (2).
Genome position (GRCh38, 1-based): chr14:65,102,332, T>C on the plus strand (A>G on the coding strand, the complement: MAX is on the minus strand). VCF-style: chr14-65102332-T-C. GRCh37 (hg19) VCF-style: chr14-65569050-T-C.
Other names: c.8A>G, p.Asp3Gly (NM_001407109.1, NM_001407110.1, NM_001407113.1 and 18 more transcripts); c.-305+177A>G (NM_001407112.1); c.-239+177A>G (NM_001407106.1); c.-240A>G (NM_001407107.1); c.-267A>G (NM_001320415.2); short protein forms D3G.
Identifiers: ClinVar variation 5023926 (VCV005023926.1).
Genomic context (GRCh38, chr14:65,102,332, plus strand): 5'-CCGCACGGGAAGGAAGAAGCCCCAGGACTCACGTCGCTCTCCACCTCGATGTCATCGTTA[T>C]CGCTCATTTCCTACGGCCCAGGGAGCGGCCACTGCAGCGGCGGCGGGGAGGGGAAGGGGT-3'
Protein context (NP_002373.3, residues 1-13): MS[Asp3Gly]NDDIEVESDE

ClinVar aggregate classification (germline): Uncertain significance (1 of 4 stars; one submission).

Conditions:
Hereditary cancer-predisposing syndrome. Also called: Neoplastic Syndromes, Hereditary; Tumor predisposition; Hereditary neoplastic syndrome; Hereditary Cancer Syndrome. Identifiers: Orphanet 140162, MedGen C0027672, MeSH D009386, MONDO:0015356.

Submission:

Ambry Genetics
Classification: Uncertain significance for Hereditary cancer-predisposing syndrome. Last evaluated: 2026-07-07. Review status: criteria provided, single submitter. Criteria: Ambry Variant Classification Scheme 2023. Collection method: clinical testing. Allele origin: germline.
Comment: The p.D3G variant (also known as c.8A>G), located in coding exon 1 of the MAX gene, results from an A to G substitution at nucleotide position 8. The aspartic acid at codon 3 is replaced by glycine, an amino acid with similar properties. This amino acid position is conserved. In addition, the in silico prediction for this alteration is inconclusive. Based on the available evidence, the clinical significance of this variant remains unclear.